The following is an entry in ClinVar:

ClinVar aggregate classification (germline): Uncertain significance (1 of 4 stars; one submission).

gnomAD v4.1: 1 of 1,612,320 alleles (0.000062%); highest among the groups gnomAD compares: African/African-American, 0.0013%; no homozygotes.

Submission:

Labcorp Genetics (formerly Invitae), Labcorp
Classification: Uncertain significance. Last evaluated: 2022-04-17. Review status: criteria provided, single submitter. Criteria: Invitae Variant Classification Sherloc (09022015). Collection method: clinical testing. Allele origin: germline.
Comment: This variant has not been reported in the literature in individuals affected with WHRN-related conditions. In summary, the available evidence is currently insufficient to determine the role of this variant in disease. Therefore, it has been classified as a Variant of Uncertain Significance. Algorithms developed to predict the effect of missense changes on protein structure and function (SIFT, PolyPhen-2, Align-GVGD) all suggest that this variant is likely to be tolerated. This variant is not present in population databases (gnomAD no frequency). This sequence change replaces methionine, which is neutral and non-polar, with valine, which is neutral and non-polar, at codon 461 of the WHRN protein (p.Met461Val).

NM_015404.4(WHRN):c.1381A>G (p.Met461Val)

Gene: WHRN (whirlin; minus strand). Cytogenetic location: 9q32.
Variant type: single nucleotide variant.
Coding change: c.1381A>G on transcript NM_015404.4 (MANE Select); coding-DNA position 1381, A replaced by G.
Protein change: p.Met461Val; replaces methionine 461 with valine.
Molecular consequence: missense variant.
Genome position (GRCh38, 1-based): chr9:114,424,369, T>C on the plus strand (A>G on the coding strand, the complement: WHRN is on the minus strand). VCF-style: chr9-114424369-T-C. GRCh37 (hg19) VCF-style: chr9-117186649-T-C.
Other names: c.232A>G, p.Met78Val (NM_001083885.3); c.1381A>G, p.Met461Val (NM_001173425.2); c.328A>G, p.Met110Val (NM_001346890.1); short protein forms M461V, M110V, M78V.
Identifiers: ClinVar variation 2127368 (VCV002127368.4), dbSNP rs144878400, ClinGen allele CA198634597.